The following is an entry in ClinVar:

NM_000440.3(PDE6A):c.509C>A (p.Thr170Lys)

Gene: PDE6A (phosphodiesterase 6A; minus strand). Cytogenetic location: 5q32.
Variant type: single nucleotide variant.
Coding change: c.509C>A on transcript NM_000440.3 (MANE Select); coding-DNA position 509, C replaced by A.
Protein change: p.Thr170Lys; replaces threonine 170 with lysine.
Molecular consequence: missense variant.
Genome position (GRCh38, 1-based): chr5:149,934,684, G>T on the plus strand (C>A on the coding strand, the complement: PDE6A is on the minus strand). VCF-style: chr5-149934684-G-T. GRCh37 (hg19) VCF-style: chr5-149314247-G-T.
Other names: short protein forms T170K.
Identifiers: ClinVar variation 1021071 (VCV001021071.8), dbSNP rs767680793, ClinGen allele CA361698558.

ClinVar aggregate classification (germline): Uncertain significance (1 of 4 stars; one submission).

Allele frequency attached by ClinVar (database versions not stated): gnomAD 0.00001; TOPMed 0.00001.
gnomAD v4.1: 3 of 1,613,920 alleles (0.00019%); highest among the groups gnomAD compares: Non-Finnish European, 0.00025%; no homozygotes.

Submission:

Labcorp Genetics (formerly Invitae), Labcorp
Classification: Uncertain significance. Last evaluated: 2024-12-16. Review status: criteria provided, single submitter. Criteria: Invitae Variant Classification Sherloc (09022015). Collection method: clinical testing. Allele origin: germline.
Comment: This sequence change replaces threonine, which is neutral and polar, with lysine, which is basic and polar, at codon 170 of the PDE6A protein (p.Thr170Lys). This variant is not present in population databases (gnomAD no frequency). This variant has not been reported in the literature in individuals affected with PDE6A-related conditions. ClinVar contains an entry for this variant (Variation ID: 1021071). Invitae Evidence Modeling of protein sequence and biophysical properties (such as structural, functional, and spatial information, amino acid conservation, physicochemical variation, residue mobility, and thermodynamic stability) has been performed for this missense variant. However, the output from this modeling did not meet the statistical confidence thresholds required to predict the impact of this variant on PDE6A protein function. In summary, the available evidence is currently insufficient to determine the role of this variant in disease. Therefore, it has been classified as a Variant of Uncertain Significance.